The following is an entry in ClinVar:

NM_017739.4(POMGNT1):c.1284+3A>C

Genes: POMGNT1 (protein O-linked mannose N-acetylglucosaminyltransferase 1 (beta 1,2-); minus strand), TSPAN1 (tetraspanin 1; plus strand). Cytogenetic location: 1p34.1.
Variant type: single nucleotide variant.
Coding change: c.1284+3A>C on transcript NM_017739.4 (MANE Select); 3 bases into the intron after coding-DNA position 1284, A replaced by C.
Molecular consequence: intron variant.
Genome position (GRCh38, 1-based): chr1:46,192,515, T>G on the plus strand (A>C on the coding strand, the complement: POMGNT1 is on the minus strand). VCF-style: chr1-46192515-T-G. GRCh37 (hg19) VCF-style: chr1-46658187-T-G.
Other names: c.1284+3A>C (NM_001243766.2, NM_001438686.1, NM_001438688.1 and 3 more transcripts); c.1218+3A>C (NM_001290129.3, NM_001438691.1, NM_001438692.1); c.855+3A>C (NM_001290130.2).
Identifiers: ClinVar variation 2126046 (VCV002126046.4), dbSNP rs2525391102, ClinGen allele CA2580062935.

ClinVar aggregate classification (germline): Uncertain significance (1 of 4 stars; one submission).

Conditions:
Autosomal recessive limb-girdle muscular dystrophy type 2O. Also called: Limb-Girdle Muscular Dystrophy Type 3C; MUSCULAR DYSTROPHY-DYSTROGLYCANOPATHY (LIMB-GIRDLE), TYPE C, 3; MUSCULAR DYSTROPHY-DYSTROGLYCANOPATHY, LIMB-GIRDLE, POMGNT1-RELATED. Identifiers: Orphanet 206564, MedGen C3150417, MONDO:0013161, OMIM 613157.
Muscular dystrophy-dystroglycanopathy (congenital with impaired intellectual development), type B, 3. Also called: Muscular dystrophy-dystroglycanopathy (congenital with intellectual disability), type B3; MUSCULAR DYSTROPHY, CONGENITAL, POMGNT1-RELATED. Identifiers: MedGen C3150412, MONDO:0013155, OMIM 613151.

Submission:

Labcorp Genetics (formerly Invitae), Labcorp
Classification: Uncertain significance for Autosomal recessive limb-girdle muscular dystrophy type 2O; Muscular dystrophy-dystroglycanopathy (congenital with impaired intellectual development), type B, 3. Last evaluated: 2022-04-13. Review status: criteria provided, single submitter. Criteria: Invitae Variant Classification Sherloc (09022015). Collection method: clinical testing. Allele origin: germline.
Comment: This variant has not been reported in the literature in individuals affected with POMGNT1-related conditions. In summary, the available evidence is currently insufficient to determine the role of this variant in disease. Therefore, it has been classified as a Variant of Uncertain Significance. Variants that disrupt the consensus splice site are a relatively common cause of aberrant splicing (PMID: 17576681, 9536098). Algorithms developed to predict the effect of sequence changes on RNA splicing suggest that this variant may disrupt the consensus splice site. This variant is not present in population databases (gnomAD no frequency). This sequence change falls in intron 15 of the POMGNT1 gene. It does not directly change the encoded amino acid sequence of the POMGNT1 protein. It affects a nucleotide within the consensus splice site.

Literature cited by the submitters: PubMed 17576681; PubMed 9536098.